The following is an entry in ClinVar:

ClinVar aggregate classification (germline): Uncertain significance (1 of 4 stars; one submission).

Conditions:
Alacrima, achalasia, and impaired intellectual development syndrome. Also called: Alacrima, achalasia, and mental retardation syndrome; Alacrima, achalasia, and intellectual disability syndrome. Identifiers: Orphanet 869, MedGen C4706563, MONDO:0014219, OMIM 615510.

gnomAD v4.1: 18 of 1,610,468 alleles (0.0011%); highest among the groups gnomAD compares: Non-Finnish European, 0.0015%; no homozygotes.

Submission:

Labcorp Genetics (formerly Invitae), Labcorp
Classification: Uncertain significance for Alacrima, achalasia, and impaired intellectual development syndrome. Last evaluated: 2026-01-12. Review status: criteria provided, single submitter. Criteria: Invitae Variant Classification Sherloc (09022015). Collection method: clinical testing. Allele origin: germline.
Comment: This sequence change replaces glutamine, which is neutral and polar, with arginine, which is basic and polar, at codon 74 of the GMPPA protein (p.Gln74Arg). This variant is present in population databases (rs758514747, gnomAD 0.002%). This variant has not been reported in the literature in individuals affected with GMPPA-related conditions. An algorithm developed to predict the effect of missense changes on protein structure and function (PolyPhen-2) suggests that this variant is likely to be tolerated. In summary, the available evidence is currently insufficient to determine the role of this variant in disease. Therefore, it has been classified as a Variant of Uncertain Significance.

NM_013335.4(GMPPA):c.221A>G (p.Gln74Arg)

Genes: ASIC4-AS1 (ASIC4 antisense RNA 1; minus strand), GMPPA (GDP-mannose pyrophosphorylase A; plus strand). Cytogenetic location: 2q35.
Variant type: single nucleotide variant.
Coding change: c.221A>G on transcript NM_013335.4 (MANE Select); coding-DNA position 221, A replaced by G.
Protein change: p.Gln74Arg; replaces glutamine 74 with arginine.
Molecular consequence: missense variant.
Genome position (GRCh38, 1-based): chr2:219,501,558, A>G. VCF-style: chr2-219501558-A-G. GRCh37 (hg19) VCF-style: chr2-220366280-A-G.
Other names: c.221A>G, p.Gln74Arg (NM_001374294.1, NM_001374295.1, NM_001438893.1 and 3 more transcripts); short protein forms Q74R.
Identifiers: ClinVar variation 4753186 (VCV004753186.1).